The following is an entry in ClinVar:

ClinVar aggregate classification (germline): Uncertain significance. Review status: criteria provided, multiple submitters, no conflicts (2 of 4 stars). 2 submissions from 2 submitters: Uncertain significance (2). Last evaluated 2025-04-07.

Allele frequency attached by ClinVar (database versions not stated): gnomAD 0.00001; TOPMed 0.00001.
gnomAD v4.1: 9 of 1,613,492 alleles (0.00056%); highest among the groups gnomAD compares: African/African-American, 0.0027%; no homozygotes.

Submissions (2):

Ambry Genetics
Classification: Uncertain significance. Last evaluated: 2025-04-07. Review status: criteria provided, single submitter. Criteria: Ambry Variant Classification Scheme 2023. Collection method: clinical testing. Allele origin: germline.

GeneDx
Classification: Uncertain significance. Last evaluated: 2014-05-16. Review status: criteria provided, single submitter. Criteria: GeneDx Variant Classification (06012015). Collection method: clinical testing. Allele origin: germline. Affected: yes.
Comment: p.Arg70Trp (CGG>TGG): c.208 C>T in exon 3 of the CACNB4 gene (NM_000726.2). The R70W variant has not been published as a mutation, nor has it been reported as a benign polymorphism to our knowledge. It was not observed in approximately 6,400 individuals of European and African American ancestry in the NHLBI Exome Sequencing Project, indicating it is not a common benign variant in these populations. The R70W variant is a non-conservative amino acid substitution, which is likely to impact secondary protein structure as these residues differ in polarity, charge, size and/or other properties. This substitution occurs at a position that is conserved in mammals, and in silico analysis predicts this variant is probably damaging to the protein structure/function. However, missense mutations in nearby residues have not been reported in association with epilepsy. Therefore, based on the currently available information, it is unclear whether this variant is a pathogenic mutation or a rare benign variant. The variant is found in EPILEPSY panel(s).

NM_000726.5(CACNB4):c.208C>T (p.Arg70Trp)

Gene: CACNB4 (calcium voltage-gated channel auxiliary subunit beta 4; minus strand). Cytogenetic location: 2q23.3.
Variant type: single nucleotide variant.
Coding change: c.208C>T on transcript NM_000726.5 (MANE Select); coding-DNA position 208, C replaced by T.
Protein change: p.Arg70Trp; replaces arginine 70 with tryptophan.
Molecular consequence: missense variant. On other transcripts: 5 prime UTR variant (2).
Genome position (GRCh38, 1-based): chr2:151,883,310, G>A on the plus strand (C>T on the coding strand, the complement: CACNB4 is on the minus strand). VCF-style: chr2-151883310-G-A. GRCh37 (hg19) VCF-style: chr2-152739824-G-A.
Other names: p.R70W:CGG>TGG; c.154C>T, p.Arg52Trp (NM_001005746.4, NM_001330113.2); c.106C>T, p.Arg36Trp (NM_001005747.4, NM_001330115.2); c.208C>T, p.Arg70Trp (NM_001145798.3); c.67C>T, p.Arg23Trp (NM_001320722.3, NM_001330116.2, NM_001330118.2); c.-427C>T (NM_001330114.2); c.-351C>T (NM_001330117.2); short protein forms R70W, R52W, R23W, R36W.
Identifiers: ClinVar variation 204924 (VCV000204924.3), dbSNP rs765848806, ClinGen allele CA313376.
Genomic context (GRCh38, chr2:151,883,310, plus strand): 5'-CCTTTGCTCTCTCAAGCTGGATAGCTGCTTGCTGTTCTCTCTCCTGTCGAATTGCTTCCC[G>A]GTCCTCTTCCAAAGAGACATCGGAGTCAGACGGCCTGCTTGTGTAGGAATCCGCTGAACC-3'
Protein context (NP_000717.2, residues 60-80): SDSDVSLEED[Arg70Trp]EAIRQEREQQ